The following is an entry in ClinVar:

ClinVar aggregate classification (germline): Uncertain significance (1 of 4 stars; one submission).

Submission:

Ambry Genetics
Classification: Uncertain significance. Last evaluated: 2022-12-08. Review status: criteria provided, single submitter. Criteria: Ambry Variant Classification Scheme 2023. Collection method: clinical testing. Allele origin: germline.
Comment: The p.G380R variant (also known as c.1138G>A), located in coding exon 3 of the ALPK2 gene, results from a G to A substitution at nucleotide position 1138. The glycine at codon 380 is replaced by arginine, an amino acid with dissimilar properties. This amino acid position is conserved. In addition, this alteration is predicted to be tolerated by in silico analysis. Since supporting evidence is limited at this time, the clinical significance of this alteration remains unclear.

NM_052947.4(ALPK2):c.1138G>A (p.Gly380Arg)

Genes: ALPK2 (alpha kinase 2; minus strand), LOC114803473 (ALPK2 eExon liver enhancer; plus strand). Cytogenetic location: 18q21.31.
Variant type: single nucleotide variant.
Coding change: c.1138G>A on transcript NM_052947.4 (MANE Select); coding-DNA position 1138, G replaced by A.
Protein change: p.Gly380Arg; replaces glycine 380 with arginine.
Molecular consequence: missense variant.
Genome position (GRCh38, 1-based): chr18:58,579,638, C>T on the plus strand (G>A on the coding strand, the complement: ALPK2 is on the minus strand). VCF-style: chr18-58579638-C-T. GRCh37 (hg19) VCF-style: chr18-56246870-C-T.
Other names: short protein forms G380R.
Identifiers: ClinVar variation 2449223 (VCV002449223.2), dbSNP rs1437994315, ClinGen allele CA402564546.
Genomic context (GRCh38, chr18:58,579,638, plus strand): 5'-AGCCAGCAGTGGCAACCATAGGCCCAGCGTCACCCGACACCCGAGACCCACAACCCATTC[C>T]ACTGAGGAAATGCTCACACCCACCCAGGCAATGCTCACCGAATTCCATCTCTTCGTCATC-3'
Protein context (NP_443179.3, residues 370-390): CLGGCEHFLS[Gly380Arg]MGCGSRVSGD